The following is an entry in ClinVar:

NM_004380.3(CREBBP):c.6609_6610insG (p.Gln2204fs)

Gene: CREBBP (CREB binding lysine acetyltransferase; minus strand). Cytogenetic location: 16p13.3.
Variant type: Insertion.
Coding change: c.6609_6610insG on transcript NM_004380.3 (MANE Select); coding-DNA positions 6609 to 6610, G inserted.
Protein change: p.Gln2204fs; shifts the reading frame from glutamine 2204.
Molecular consequence: frameshift variant.
Genome position: GRCh38 VCF-style: chr16-3728437-G-GC. GRCh37 (hg19) VCF-style: chr16-3778438-G-GC.
Other names: c.6495_6496insG, p.Gln2166fs (NM_001079846.1); short protein forms Q2166fs, Q2204fs.
Identifiers: ClinVar variation 3352954 (VCV003352954.1).

ClinVar aggregate classification (germline): Likely benign (0 of 4 stars; one submission).

Conditions:
CREBBP-related disorder. Also called: CREBBP-related condition; CREBBP-related disorders.

Submission:

PreventionGenetics, part of Exact Sciences
Classification: Likely benign for CREBBP-related condition. Last evaluated: 2024-07-01. Review status: no assertion criteria provided. Collection method: clinical testing. Allele origin: germline.
Comment: This variant is classified as likely benign based on ACMG/AMP sequence variant interpretation guidelines (Richards et al. 2015 PMID: 25741868, with internal and published modifications).